The following is an entry in ClinVar:

ClinVar aggregate classification (germline): Benign/Likely benign. Review status: criteria provided, multiple submitters, no conflicts (2 of 4 stars). 6 submissions from 6 submitters: Benign (4); Likely benign (2). Last evaluated 2026-01-12.

Conditions:
Nemaline myopathy 8 (NEM8). Also called: Nemaline myopathy 8, autosomal recessive. Identifiers: Orphanet 171430, MedGen C3809209, MONDO:0014138, OMIM 615348.

Allele frequency attached by ClinVar (database versions not stated): gnomAD exomes 0.00115; ExAC 0.00136; gnomAD 0.00371 and 0.00391; 1000 Genomes Project 30x 0.00422; 1000 Genomes Project 0.00439; ESP Exome Variant Server 0.00446; TOPMed 0.00471.
gnomAD v4.1: 1,381 of 1,614,136 alleles (0.086%); highest among the groups gnomAD compares: African/African-American, 1.4%; 8 homozygotes.

Submissions (6):

Labcorp Genetics (formerly Invitae), Labcorp
Classification: Benign for Nemaline myopathy 8. Last evaluated: 2026-01-12. Review status: criteria provided, single submitter. Criteria: Invitae Variant Classification Sherloc (09022015). Collection method: clinical testing. Allele origin: germline.

CeGaT Center for Human Genetics Tuebingen
Classification: Likely benign. Last evaluated: 2025-11-01. Review status: criteria provided, single submitter. Criteria: CeGaT Center For Human Genetics Tuebingen Variant Classification Criteria Version 2. Collection method: clinical testing. Allele origin: germline. Affected: yes. Observed: 3 variant alleles.
Comment: KLHL40: BS1

Blueprint Genetics
Classification: Likely benign. Last evaluated: 2024-11-21. Review status: criteria provided, single submitter. Criteria: ACMG Guidelines, 2015. Collection method: clinical testing. Allele origin: germline.

GeneDx
Classification: Benign. Last evaluated: 2016-07-27. Review status: criteria provided, single submitter. Criteria: GeneDx Variant Classification (06012015). Collection method: clinical testing. Allele origin: germline. Affected: yes.
Comment: This variant is considered likely benign or benign based on one or more of the following criteria: it is a conservative change, it occurs at a poorly conserved position in the protein, it is predicted to be benign by multiple in silico algorithms, and/or has population frequency not consistent with disease.

Breakthrough Genomics
Classification: Benign. Review status: criteria provided, single submitter. Criteria: ACMG Guidelines, 2015. Collection method: not provided. Allele origin: germline. Inheritance: Autosomal recessive inheritance. Affected: yes.

PreventionGenetics, part of Exact Sciences
Classification: Benign. Review status: criteria provided, single submitter. Criteria: ACMG Guidelines, 2015. Collection method: clinical testing. Allele origin: germline.

NM_152393.4(KLHL40):c.1540G>A (p.Val514Met)

Gene: KLHL40 (kelch like family member 40; plus strand). Cytogenetic location: 3p22.1.
Variant type: single nucleotide variant.
Coding change: c.1540G>A on transcript NM_152393.4 (MANE Select); coding-DNA position 1540, G replaced by A.
Protein change: p.Val514Met; replaces valine 514 with methionine.
Molecular consequence: missense variant.
Genome position (GRCh38, 1-based): chr3:42,688,987, G>A. VCF-style: chr3-42688987-G-A. GRCh37 (hg19) VCF-style: chr3-42730479-G-A.
Other names: short protein forms V514M.
Identifiers: ClinVar variation 262641 (VCV000262641.38), dbSNP rs146266900, ClinGen allele CA2337004.